The following is an entry in ClinVar:

NM_016222.4(DDX41):c.622C>G (p.Gln208Glu)

Gene: DDX41 (DEAD-box helicase 41; minus strand). Cytogenetic location: 5q35.3.
Variant type: single nucleotide variant.
Coding change: c.622C>G on transcript NM_016222.4 (MANE Select); coding-DNA position 622, C replaced by G.
Protein change: p.Gln208Glu; replaces glutamine 208 with glutamic acid.
Molecular consequence: missense variant.
Genome position (GRCh38, 1-based): chr5:177,515,208, G>C on the plus strand (C>G on the coding strand, the complement: DDX41 is on the minus strand). VCF-style: chr5-177515208-G-C. GRCh37 (hg19) VCF-style: chr5-176942209-G-C.
Other names: c.622C>G (NM_016222.3); c.244C>G, p.Gln82Glu (NM_001321732.2, NM_001321830.2); short protein forms Q208E, Q82E.
Identifiers: ClinVar variation 3899310 (VCV003899310.2).
Genomic context (GRCh38, chr5:177,515,208, plus strand): 5'-CCCTCCTCAAGGACCCCAGGTCCACAGTCCACACTCACATGGTGGGGATGCCCTGGATCT[G>C]AATGGGTGTTGGGTGGTGAATGCCTTTCTTCTTCAGGCCTCTCAGGATGGCTATGAAAAC-3'
Protein context (NP_057306.2, residues 198-218): KKGIHHPTPI[Gln208Glu]IQGIPTILSG

ClinVar aggregate classification (germline): Conflicting classifications of pathogenicity. Review status: criteria provided, conflicting classifications (1 of 4 stars). 2 submissions from 2 submitters: Likely pathogenic (1); Uncertain significance (1). Last evaluated 2026-07-27.

Conditions:
DDX41-related disorder. Also called: DDX41-related condition.
DDX41-related hematologic malignancy predisposition syndrome. Also called: Myeloproliferative/lymphoproliferative neoplasms, familial (multiple types), susceptibility to; DDX41-Associated Familial Myelodysplastic Syndrome and Acute Myeloid Leukemia. Identifiers: Orphanet 488647, MedGen C4225174, MONDO:0014809, OMIM 616871.

Submissions (2):

PreventionGenetics, part of Exact Sciences
Classification: Uncertain significance for DDX41-related condition. Last evaluated: 2026-07-27. Review status: criteria provided, single submitter. Criteria: ACMG Guidelines, 2015. Collection method: clinical testing. Allele origin: germline.
Comment: The DDX41 c.622C>G variant is predicted to result in the amino acid substitution p.Gln208Glu. This variant has been reported as a germline or somatic variant in individuals with myeloid malignancies (Table S2, Duployez et al. 2022. PubMed ID: 35443031; Table S2, Bataller et al. 2023. PubMed ID: 37665752; Table S1, Badar et al. 2023. PubMed ID: 37199125). This variant is reported in 0.00088% of alleles in individuals of European (Non-Finnish) descent in gnomAD. At this time, the clinical significance of this variant is uncertain due to the absence of conclusive functional and genetic evidence.

Saint-Louis Hospital, Assistance Publique Hôpitaux de Paris
Classification: Likely pathogenic for DDX41-related hematologic malignancy predisposition syndrome. Last evaluated: 2025-05-13. Review status: criteria provided, single submitter. Criteria: ACMG Guidelines, 2015. Collection method: clinical testing. Allele origin: germline. Affected: yes.
Comment: The variant DDX41 (NM_016222.4):c.622C>G:p.(Gln208Glu) is very rare in control population databases, and is predicted deleterious according to several computational lines (alphamissense score at 0.958, damaging according to SIFT and Polyphen and CAAS phred at 28.9). It has been described in association with a somatic DDX41 hit in bone marrow (Badar et al, 2023 PMID: 37199125), a classical route of clonal evolution in DDX41-myeloid malignancies predisposition (Duployez et al, 2022, PMID: 35443031).

Literature cited by the submitters: PubMed 37199125 (cited by Saint-Louis Hospital, Assistance Publique Hôpitaux de Paris); PubMed 35443031 (cited by Saint-Louis Hospital, Assistance Publique Hôpitaux de Paris).